The following is an entry in ClinVar:

ClinVar aggregate classification (germline): Uncertain significance (1 of 4 stars; one submission).

Submission:

Ambry Genetics
Classification: Uncertain significance. Last evaluated: 2024-07-23. Review status: criteria provided, single submitter. Criteria: Ambry Variant Classification Scheme 2023. Collection method: clinical testing. Allele origin: germline.
Comment: The p.F971S variant (also known as c.2912T>C), located in coding exon 23 of the BUB1 gene, results from a T to C substitution at nucleotide position 2912. The phenylalanine at codon 971 is replaced by serine, an amino acid with highly dissimilar properties. This amino acid position is conserved. In addition, this alteration is predicted to be deleterious by in silico analysis. Based on the available evidence, the clinical significance of this variant remains unclear.

NM_004336.5(BUB1):c.2912T>C (p.Phe971Ser)

Gene: BUB1 (BUB1 mitotic checkpoint serine/threonine kinase; minus strand). Cytogenetic location: 2q13.
Variant type: single nucleotide variant.
Coding change: c.2912T>C on transcript NM_004336.5 (MANE Select); coding-DNA position 2912, T replaced by C.
Protein change: p.Phe971Ser; replaces phenylalanine 971 with serine.
Molecular consequence: missense variant.
Genome position (GRCh38, 1-based): chr2:110,641,077, A>G on the plus strand (T>C on the coding strand, the complement: BUB1 is on the minus strand). VCF-style: chr2-110641077-A-G. GRCh37 (hg19) VCF-style: chr2-111398654-A-G.
Other names: c.2852T>C, p.Phe951Ser (NM_001278616.2); c.2741T>C, p.Phe914Ser (NM_001278617.2); short protein forms F914S, F971S, F951S.
Identifiers: ClinVar variation 3483025 (VCV003483025.1).